The following is an entry in ClinVar:

NM_003126.4(SPTA1):c.4707C>T (p.Ser1569=)

Gene: SPTA1 (spectrin alpha, erythrocytic 1; minus strand). Cytogenetic location: 1q23.1.
Variant type: single nucleotide variant.
Coding change: c.4707C>T on transcript NM_003126.4 (MANE Select); coding-DNA position 4707, C replaced by T.
Protein change: p.Ser1569=; no amino-acid change (serine 1569 retained).
Molecular consequence: synonymous variant.
Genome position (GRCh38, 1-based): chr1:158,642,441, G>A on the plus strand (C>T on the coding strand, the complement: SPTA1 is on the minus strand). VCF-style: chr1-158642441-G-A. GRCh37 (hg19) VCF-style: chr1-158612231-G-A.
Identifiers: ClinVar variation 2639476 (VCV002639476.24), dbSNP rs764240181, ClinGen allele CA1182590.

ClinVar aggregate classification (germline): Likely benign (1 of 4 stars; one submission).

Allele frequency attached by ClinVar (database versions not stated): gnomAD 0.00011.
gnomAD v4.1: 68 of 1,613,344 alleles (0.0042%); highest among the groups gnomAD compares: Admixed American, 0.047%; no homozygotes.

Submission:

CeGaT Center for Human Genetics Tuebingen
Classification: Likely benign. Last evaluated: 2023-03-01. Review status: criteria provided, single submitter. Criteria: CeGaT Center For Human Genetics Tuebingen Variant Classification Criteria Version 2. Collection method: clinical testing. Allele origin: germline. Affected: yes. Observed: 1 variant allele.
Comment: SPTA1: BP4, BP7